The following is an entry in ClinVar:

NM_004972.4(JAK2):c.3163A>G (p.Lys1055Glu)

Genes: INSL6 (insulin like 6; minus strand), JAK2 (Janus kinase 2; plus strand). Cytogenetic location: 9p24.1.
Variant type: single nucleotide variant.
Coding change: c.3163A>G on transcript NM_004972.4 (MANE Select); coding-DNA position 3163, A replaced by G.
Protein change: p.Lys1055Glu; replaces lysine 1055 with glutamic acid.
Molecular consequence: missense variant. On other transcripts: non-coding transcript variant (2).
Genome position (GRCh38, 1-based): chr9:5,123,107, A>G. VCF-style: chr9-5123107-A-G. GRCh37 (hg19) VCF-style: chr9-5123107-A-G.
Other names: c.3163A>G, p.Lys1055Glu (NM_001322194.2, NM_001322195.2, NM_001322196.2); c.1948A>G, p.Lys650Glu (NM_001322198.2, NM_001322199.2); c.2716A>G, p.Lys906Glu (NM_001322204.2); short protein forms K906E, K1055E, K650E.
Identifiers: ClinVar variation 3703656 (VCV003703656.1).

ClinVar aggregate classification (germline): Uncertain significance (1 of 4 stars; one submission).

gnomAD v4.1: 3 of 1,598,224 alleles (0.00019%); highest among the groups gnomAD compares: Non-Finnish European, 0.00026%; no homozygotes.

Submission:

Labcorp Genetics (formerly Invitae), Labcorp
Classification: Uncertain significance. Last evaluated: 2024-08-28. Review status: criteria provided, single submitter. Criteria: Invitae Variant Classification Sherloc (09022015). Collection method: clinical testing. Allele origin: germline.
Comment: This sequence change replaces lysine, which is basic and polar, with glutamic acid, which is acidic and polar, at codon 1055 of the JAK2 protein (p.Lys1055Glu). This variant is present in population databases (rs774539976, gnomAD 0.003%). This variant has not been reported in the literature in individuals affected with JAK2-related conditions. Invitae Evidence Modeling of protein sequence and biophysical properties (such as structural, functional, and spatial information, amino acid conservation, physicochemical variation, residue mobility, and thermodynamic stability) indicates that this missense variant is not expected to disrupt JAK2 protein function with a negative predictive value of 80%. In summary, the available evidence is currently insufficient to determine the role of this variant in disease. Therefore, it has been classified as a Variant of Uncertain Significance.